The following is an entry in ClinVar:

NM_015141.4(GPD1L):c.774C>T (p.Cys258=)

Gene: GPD1L (glycerol-3-phosphate dehydrogenase 1 like; plus strand). Cytogenetic location: 3p22.3.
Variant type: single nucleotide variant.
Coding change: c.774C>T on transcript NM_015141.4 (MANE Select); coding-DNA position 774, C replaced by T.
Protein change: p.Cys258=; no amino-acid change (cysteine 258 retained).
Molecular consequence: synonymous variant.
Genome position (GRCh38, 1-based): chr3:32,159,031, C>T. VCF-style: chr3-32159031-C-T. GRCh37 (hg19) VCF-style: chr3-32200523-C-T.
Identifiers: ClinVar variation 668231 (VCV000668231.10), dbSNP rs753955088, ClinGen allele CA2296739.

ClinVar aggregate classification (germline): Likely benign. Review status: criteria provided, multiple submitters, no conflicts (2 of 4 stars). 3 submissions from 3 submitters: Likely benign (3). Last evaluated 2024-07-24.

Conditions:
Cardiovascular phenotype. Identifiers: MedGen CN230736.
Brugada syndrome. Also called: Sudden unexpected nocturnal death syndrome; Sudden unexplained nocturnal death syndrome; Sudden Unexplained Death Syndrome; Sudden Unexplained Nocturnal Death Syndrome (SUNDS). Identifiers: Orphanet 130, MedGen C1142166, MONDO:0015263.

Allele frequency attached by ClinVar (database versions not stated): gnomAD 0.00002; gnomAD exomes 0.00003 and 0.00002; ExAC 0.00004; TOPMed 0.00002.
gnomAD v4.1: 39 of 1,613,900 alleles (0.0024%); highest among the groups gnomAD compares: South Asian, 0.0033%; no homozygotes.

Submissions (3):

Labcorp Genetics (formerly Invitae), Labcorp
Classification: Likely benign for Brugada syndrome. Last evaluated: 2024-07-24. Review status: criteria provided, single submitter. Criteria: Invitae Variant Classification Sherloc (09022015). Collection method: clinical testing. Allele origin: germline.

Ambry Genetics
Classification: Likely benign for Cardiovascular phenotype. Last evaluated: 2019-12-11. Review status: criteria provided, single submitter. Criteria: Ambry Variant Classification Scheme 2023. Collection method: clinical testing. Allele origin: germline.

GeneDx
Classification: Likely benign. Last evaluated: 2018-05-14. Review status: criteria provided, single submitter. Criteria: GeneDx Variant Classification (06012015). Collection method: clinical testing. Allele origin: germline. Affected: yes.
Comment: This variant is considered likely benign or benign based on one or more of the following criteria: it is a conservative change, it occurs at a poorly conserved position in the protein, it is predicted to be benign by multiple in silico algorithms, and/or has population frequency not consistent with disease.